The following is an entry in ClinVar:

ClinVar aggregate classification (germline): Likely pathogenic (1 of 4 stars; one submission).

Conditions:
Severe combined immunodeficiency, autosomal recessive, T cell-negative, B cell-negative, NK cell-positive. Also called: SCID, T CELL-NEGATIVE, B CELL-NEGATIVE, NK CELL-POSITIVE; Severe combined immunodeficiency due to complete RAG1/2 deficiency; SCID, AR, T-cell negative, B-cell negative, NK cell-positive. Identifiers: Orphanet 331206, MedGen C1832322, MONDO:0011086, OMIM 601457.

Submission:

Kasturba Medical College, Manipal, Kasturba Medical College, Manipal, Manipal Academy of Higher Education, Manipal, India
Classification: Likely pathogenic for Severe combined immunodeficiency, autosomal recessive, T cell-negative, B cell-negative, NK cell-positive. Review status: criteria provided, single submitter. Criteria: ACMG Guidelines, 2015. Collection method: clinical testing. Allele origin: germline. Inheritance: Autosomal recessive inheritance. Affected: yes.
Comment: The variant is absent in gnomAD (v4.1.0) and our in-house database of 3274 exomes. In-silico analysis tools (MutationTaster, REVEL and M-CAP) are consistent in predicting that the variant is disease-causing and damaging to RAG1 protein function.

NM_000448.3(RAG1):c.2917C>A (p.Arg973Ser)

Gene: RAG1 (recombination activating 1; plus strand). Cytogenetic location: 11p12.
Variant type: single nucleotide variant.
Coding change: c.2917C>A on transcript NM_000448.3 (MANE Select); coding-DNA position 2917, C replaced by A.
Protein change: p.Arg973Ser; replaces arginine 973 with serine.
Molecular consequence: missense variant.
Genome position (GRCh38, 1-based): chr11:36,576,221, C>A. VCF-style: chr11-36576221-C-A. GRCh37 (hg19) VCF-style: chr11-36597771-C-A.
Other names: c.2917C>A, p.Arg973Ser (NM_001377277.1, NM_001377278.1, NM_001377279.1 and 1 more transcripts); short protein forms R973S.
Identifiers: ClinVar variation 1695915 (VCV001695915.4), dbSNP rs1389614116, ClinGen allele CA380135991.
Genomic context (GRCh38, chr11:36,576,221, plus strand): 5'-GATGGCTCCATTGGGGCATGGGCAAGTGAGGGAAATGAGTCTGGTAACAAACTGTTTAGG[C>A]GCTTCCGGAAAATGAATGCCAGGCAGTCCAAATGCTATGAGATGGAAGATGTCCTGAAAC-3'
Protein context (NP_000439.2, residues 963-983): GNESGNKLFR[Arg973Ser]FRKMNARQSK